The following is an entry in ClinVar:

ClinVar aggregate classification (germline): Uncertain significance (0 of 4 stars; one submission).

Conditions:
BBS5-related disorder. Also called: BBS5-related condition.

Allele frequency attached by ClinVar (database versions not stated): gnomAD exomes below 0.00001; TOPMed below 0.00001; gnomAD 0.00001.
gnomAD v4.1: 4 of 1,560,222 alleles (0.00026%); highest among the groups gnomAD compares: Non-Finnish European, 0.00035%; no homozygotes.

Submission:

PreventionGenetics, part of Exact Sciences
Classification: Uncertain significance for BBS5-related condition. Last evaluated: 2023-12-15. Review status: no assertion criteria provided. Collection method: clinical testing. Allele origin: germline.
Comment: The BBS5 c.619-5T>G variant is predicted to interfere with splicing. To our knowledge, this variant has not been reported in the literature or in a large population database, indicating this variant is rare. At this time, the clinical significance of this variant is uncertain due to the absence of conclusive functional and genetic evidence.

NM_152384.3(BBS5):c.619-5T>G

Gene: BBS5 (Bardet-Biedl syndrome 5; plus strand). Cytogenetic location: 2q31.1.
Variant type: single nucleotide variant.
Coding change: c.619-5T>G on transcript NM_152384.3 (MANE Select); 5 bases into the intron before coding-DNA position 619, T replaced by G.
Molecular consequence: intron variant.
Genome position (GRCh38, 1-based): chr2:169,497,622, T>G. VCF-style: chr2-169497622-T-G. GRCh37 (hg19) VCF-style: chr2-170354132-T-G.
Identifiers: ClinVar variation 3038952 (VCV003038952.2), dbSNP rs1414333827, ClinGen allele CA760502981.